The following is an entry in ClinVar:

NM_015102.5(NPHP4):c.3864C>T (p.Asp1288=)

Gene: NPHP4 (nephrocystin 4; minus strand). Cytogenetic location: 1p36.31.
Variant type: single nucleotide variant.
Coding change: c.3864C>T on transcript NM_015102.5 (MANE Select); coding-DNA position 3864, C replaced by T.
Protein change: p.Asp1288=; no amino-acid change (aspartic acid 1288 retained).
Molecular consequence: synonymous variant. On other transcripts: non-coding transcript variant (1).
Genome position (GRCh38, 1-based): chr1:5,864,470, G>A on the plus strand (C>T on the coding strand, the complement: NPHP4 is on the minus strand). VCF-style: chr1-5864470-G-A. GRCh37 (hg19) VCF-style: chr1-5924530-G-A.
Other names: c.2325C>T, p.Asp775= (NM_001291593.2); c.2328C>T, p.Asp776= (NM_001291594.2); c.3864C>T (NM_015102.4).
Identifiers: ClinVar variation 297786 (VCV000297786.6), dbSNP rs886046459, ClinGen allele CA10610215.
Genomic context (GRCh38, chr1:5,864,470, plus strand): 5'-CACCAGGTTGAGATGGACAAAGCGGCTGCCGGCCCTAAGGGGCCTCACGCCAACATGCAG[G>A]TCCTGCACCCCACGAGGCGGCAGCACGAAGACACCTTTGGGGTCTGTCTTCAAGAGCGAG-3'
Protein context (NP_055917.1, residues 1278-1298): VFVLPPRGVQ[Asp1288=]LHVGVRPLRA

ClinVar aggregate classification (germline): Uncertain significance. Review status: criteria provided, single submitter (1 of 4 stars). 3 submissions from 2 submitters: Uncertain significance (2). 1 of the submissions does not count toward it. Last evaluated 2018-01-13.

Conditions:
Senior-Loken syndrome 4 (SLSN4). Identifiers: Orphanet 3156, MedGen C1846979, MONDO:0011756, OMIM 606996.
Nephronophthisis 4 (NPHP4). Also called: NEPHRONOPHTHISIS 4, JUVENILE. Identifiers: Orphanet 655, MedGen C1847013, MONDO:0011752, OMIM 606966.
NPHP4-related disorder. Also called: NPHP4-related disorders; NPHP4-related condition. Identifiers: MedGen CN239384.

Allele frequency attached by ClinVar (database versions not stated): gnomAD exomes below 0.00001; TOPMed below 0.00001; gnomAD 0.00001.
gnomAD v4.1: 8 of 1,602,136 alleles (0.0005%); highest among the groups gnomAD compares: Non-Finnish European, 0.00068%; no homozygotes.

Submissions (3):

Illumina Laboratory Services, Illumina
Classification: Uncertain significance for Nephronophthisis 4. Last evaluated: 2018-01-13. Review status: criteria provided, single submitter. Criteria: ICSL Variant Classification Criteria 13 December 2019. Collection method: clinical testing. Allele origin: germline.

Illumina Laboratory Services, Illumina
Classification: Uncertain significance for Senior-Loken syndrome 4. Last evaluated: 2018-01-13. Review status: criteria provided, single submitter. Criteria: ICSL Variant Classification Criteria 13 December 2019. Collection method: clinical testing. Allele origin: germline.

PreventionGenetics, part of Exact Sciences
Classification: Likely benign for NPHP4-related condition. Last evaluated: 2024-08-15. Review status: no assertion criteria provided. Collection method: clinical testing. Allele origin: germline. Not counted in ClinVar's aggregate classification.
Comment: This variant is classified as likely benign based on ACMG/AMP sequence variant interpretation guidelines (Richards et al. 2015 PMID: 25741868, with internal and published modifications).